The following is an entry in ClinVar:

NM_000829.4(GRIA4):c.2544+93C>T

Gene: GRIA4 (glutamate ionotropic receptor AMPA type subunit 4; plus strand). Cytogenetic location: 11q22.3.
Variant type: single nucleotide variant.
Coding change: c.2544+93C>T on transcript NM_000829.4 (MANE Select); 93 bases into the intron after coding-DNA position 2544, C replaced by T.
Molecular consequence: intron variant. On other transcripts: synonymous variant (1).
Genome position (GRCh38, 1-based): chr11:105,974,537, C>T. VCF-style: chr11-105974537-C-T. GRCh37 (hg19) VCF-style: chr11-105845264-C-T.
Other names: c.2637C>T, p.Thr879= (NM_001077243.3).
Identifiers: ClinVar variation 2642345 (VCV002642345.25), dbSNP rs186295021, ClinGen allele CA6258868.

ClinVar aggregate classification (germline): Benign/Likely benign. Review status: criteria provided, multiple submitters, no conflicts (2 of 4 stars). 2 submissions from 2 submitters: Benign (1); Likely benign (1). Last evaluated 2026-08-01.

Allele frequency attached by ClinVar (database versions not stated): 1000 Genomes Project 0.00080; 1000 Genomes Project 30x 0.00094; gnomAD 0.00144; TOPMed 0.00155; ESP Exome Variant Server 0.00177.
gnomAD v4.1: 2,620 of 1,613,412 alleles (0.16%); highest among the groups gnomAD compares: Middle Eastern, 0.26%; 5 homozygotes.

Submissions (2):

CeGaT Center for Human Genetics Tuebingen
Classification: Benign. Last evaluated: 2026-08-01. Review status: criteria provided, single submitter. Criteria: CeGaT Center For Human Genetics Tuebingen Variant Classification Criteria Version 2. Collection method: clinical testing. Allele origin: germline. Affected: yes. Observed: 12 variant alleles.
Comment: GRIA4: BP4, BS1, BS2

Blueprint Genetics
Classification: Likely benign. Last evaluated: 2024-11-27. Review status: criteria provided, single submitter. Criteria: ACMG Guidelines, 2015. Collection method: clinical testing. Allele origin: germline.